The following is an entry in ClinVar:

NM_001005242.3(PKP2):c.761A>C (p.Asn254Thr)

Gene: PKP2 (plakophilin 2; minus strand). Cytogenetic location: 12p11.21.
Variant type: single nucleotide variant.
Coding change: c.761A>C on transcript NM_001005242.3 (MANE Select); coding-DNA position 761, A replaced by C.
Protein change: p.Asn254Thr; replaces asparagine 254 with threonine.
Molecular consequence: missense variant.
Genome position (GRCh38, 1-based): chr12:32,878,119, T>G on the plus strand (A>C on the coding strand, the complement: PKP2 is on the minus strand). VCF-style: chr12-32878119-T-G. GRCh37 (hg19) VCF-style: chr12-33031053-T-G.
Other names: p.N254T:AAC>ACC; c.761A>C, p.Asn254Thr (NM_004572.4); short protein forms N254T.
Identifiers: ClinVar variation 202028 (VCV000202028.2), dbSNP rs769542968, ClinGen allele CA012468.

ClinVar aggregate classification (germline): Uncertain significance (1 of 4 stars; one submission).

Allele frequency attached by ClinVar (database versions not stated): ExAC 0.00001.

Submission:

GeneDx
Classification: Uncertain significance. Last evaluated: 2014-10-10. Review status: criteria provided, single submitter. Criteria: GeneDx Variant Classification (06012015). Collection method: clinical testing. Allele origin: germline. Affected: yes.
Comment: p.Asn254Thr (AAC>ACC): c.761 A>C in exon 3 of the PKP2 gene (NM_004572.3). The N254T variant has not been published as a mutation, nor has it been reported as a benign polymorphism to our knowledge. The N254T variant was not observed in approximately 6,500 individuals of European and African American ancestry in the NHLBI Exome Sequencing Project, indicating it is not a common benign variant in these populations. This substitution occurs at a position that is class conserved in most mammals. Missense mutations in nearby residues (S249T, P244L) have been reported in association with ARVC, supporting the functional importance of this region of the protein. However, the N254T variant is a conservative amino acid substitution, which is not likely to impact secondary protein structure as these residues share similar properties. Additionally, in silico analysis predicts this variant likely does not alter the protein structure/function. Therefore, based on the currently available information, it is unclear whether this variant is a pathogenic mutation or a rare benign variant. The variant is found in ARRHYTHMIA panel(s).